The following is an entry in ClinVar:

NM_001370785.2(LRRC7):c.329G>A (p.Arg110Gln)

Gene: LRRC7 (leucine rich repeat containing 7; plus strand). Cytogenetic location: 1p31.1.
Variant type: single nucleotide variant.
Coding change: c.329G>A on transcript NM_001370785.2 (MANE Select); coding-DNA position 329, G replaced by A.
Protein change: p.Arg110Gln; replaces arginine 110 with glutamine.
Molecular consequence: missense variant.
Genome position (GRCh38, 1-based): chr1:69,792,068, G>A. VCF-style: chr1-69792068-G-A. GRCh37 (hg19) VCF-style: chr1-70257751-G-A.
Other names: c.230G>A, p.Arg77Gln (NM_001330635.3, NM_001366837.3, NM_001366839.3 and 1 more transcripts); c.332G>A, p.Arg111Gln (NM_001350216.3, NM_001366840.1); c.329G>A, p.Arg110Gln (NM_001366836.3, NM_001366838.3); c.386G>A, p.Arg129Gln (NM_001366842.1); short protein forms R129Q, R111Q, R77Q, R110Q.
Identifiers: ClinVar variation 3540228 (VCV003540228.2), dbSNP rs267598703.

ClinVar aggregate classification (germline): Uncertain significance. Review status: criteria provided, multiple submitters, no conflicts (2 of 4 stars). 2 submissions from 2 submitters: Uncertain significance (2). Last evaluated 2026-09-01.

gnomAD v4.1: 13 of 1,607,296 alleles (0.00081%); highest among the groups gnomAD compares: Non-Finnish European, 0.00094%; no homozygotes.

Submissions (2):

CeGaT Center for Human Genetics Tuebingen
Classification: Uncertain significance. Last evaluated: 2026-09-01. Review status: criteria provided, single submitter. Criteria: CeGaT Center For Human Genetics Tuebingen Variant Classification Criteria Version 2. Collection method: clinical testing. Allele origin: germline. Affected: yes. Observed: 1 variant allele.
Comment: LRRC7: PP2, BP4

Ambry Genetics
Classification: Uncertain significance. Last evaluated: 2024-11-26. Review status: criteria provided, single submitter. Criteria: Ambry Variant Classification Scheme 2023. Collection method: clinical testing. Allele origin: germline.